The following is an entry in ClinVar:

ClinVar aggregate classification (germline): Uncertain significance. Review status: criteria provided, multiple submitters, no conflicts (2 of 4 stars). 2 submissions from 2 submitters: Uncertain significance (2). Last evaluated 2026-07-29.

Conditions:
ADCY3-related disorder. Also called: ADCY3-related condition.
Inborn genetic diseases. Identifiers: MedGen C0950123, MeSH D030342.

gnomAD v4.1: 5 of 1,614,148 alleles (0.00031%); highest among the groups gnomAD compares: Admixed American, 0.005%; no homozygotes.

Submissions (2):

PreventionGenetics, part of Exact Sciences
Classification: Uncertain significance for ADCY3-related condition. Last evaluated: 2026-07-29. Review status: criteria provided, single submitter. Criteria: ACMG Guidelines, 2015. Collection method: clinical testing. Allele origin: germline.
Comment: The ADCY3 c.2407G>A variant is predicted to result in the amino acid substitution p.Asp803Asn. To our knowledge, this variant has not been reported in the literature. This variant is reported in 0.0058% of alleles in individuals of Latino descent in gnomAD. At this time, the clinical significance of this variant is uncertain due to the absence of conclusive functional and genetic evidence.

Ambry Genetics
Classification: Uncertain significance for Inborn genetic diseases. Last evaluated: 2024-04-20. Review status: criteria provided, single submitter. Criteria: Ambry Variant Classification Scheme 2023. Collection method: clinical testing. Allele origin: germline.

NM_004036.5(ADCY3):c.2407G>A (p.Asp803Asn)

Gene: ADCY3 (adenylate cyclase 3; minus strand). Cytogenetic location: 2p23.3.
Variant type: single nucleotide variant.
Coding change: c.2407G>A on transcript NM_004036.5 (MANE Select); coding-DNA position 2407, G replaced by A.
Protein change: p.Asp803Asn; replaces aspartic acid 803 with asparagine.
Molecular consequence: missense variant. On other transcripts: intron variant (1).
Genome position (GRCh38, 1-based): chr2:24,827,927, C>T on the plus strand (G>A on the coding strand, the complement: ADCY3 is on the minus strand). VCF-style: chr2-24827927-C-T. GRCh37 (hg19) VCF-style: chr2-25050796-C-T.
Other names: c.2407G>A, p.Asp803Asn (NM_001320613.2, NM_001377132.1); c.2473G>A, p.Asp825Asn (NM_001377128.1); c.2269G>A, p.Asp757Asn (NM_001377129.1); c.1684G>A, p.Asp562Asn (NM_001377131.1); c.2172+2782G>A (NM_001377130.1); c.2407G>A (NM_001320613.1); short protein forms D757N, D803N, D562N, D825N.
Identifiers: ClinVar variation 3269383 (VCV003269383.3).